The following is an entry in ClinVar:

NM_152594.3(SPRED1):c.281T>C (p.Ile94Thr)

Gene: SPRED1 (sprouty related EVH1 domain containing 1; plus strand). Cytogenetic location: 15q14.
Variant type: single nucleotide variant.
Coding change: c.281T>C on transcript NM_152594.3 (MANE Select); coding-DNA position 281, T replaced by C.
Protein change: p.Ile94Thr; replaces isoleucine 94 with threonine.
Molecular consequence: missense variant.
Genome position (GRCh38, 1-based): chr15:38,322,314, T>C. VCF-style: chr15-38322314-T-C. GRCh37 (hg19) VCF-style: chr15-38614515-T-C.
Other names: short protein forms I94T.
Identifiers: ClinVar variation 392095 (VCV000392095.11), dbSNP rs761473300, ClinGen allele CA7470033.

ClinVar aggregate classification (germline): Conflicting classifications of pathogenicity. Review status: criteria provided, conflicting classifications (1 of 4 stars). 3 submissions from 3 submitters: Uncertain significance (2); Benign (1). Last evaluated 2025-03-03.

Conditions:
SPRED1-related disorder. Also called: SPRED1-related condition.
Legius syndrome. Identifiers: Orphanet 137605, MedGen C1969623, MONDO:0012669, OMIM 611431. Disease mechanism: loss of function.

Allele frequency attached by ClinVar (database versions not stated): ExAC 0.00001; gnomAD 0.00001 and 0.00002; gnomAD exomes 0.00001 and 0.00003; TOPMed 0.00002.
gnomAD v4.1: 47 of 1,613,798 alleles (0.0029%); highest among the groups gnomAD compares: Non-Finnish European, 0.0038%; no homozygotes.

Submissions (3):

Labcorp Genetics (formerly Invitae), Labcorp
Classification: Benign for Legius syndrome. Last evaluated: 2025-03-03. Review status: criteria provided, single submitter. Criteria: Invitae Variant Classification Sherloc (09022015). Collection method: clinical testing. Allele origin: germline.

PreventionGenetics, part of Exact Sciences
Classification: Uncertain significance for SPRED1-related condition. Last evaluated: 2024-11-21. Review status: criteria provided, single submitter. Criteria: ACMG Guidelines, 2015. Collection method: clinical testing. Allele origin: germline.
Comment: The SPRED1 c.281T>C variant is predicted to result in the amino acid substitution p.Ile94Thr. To our knowledge, this variant has not been reported in the literature. This variant is reported in 0.0031% of alleles in individuals of European (Non-Finnish) descent in gnomAD. At this time, the clinical significance of this variant is uncertain due to the absence of conclusive functional and genetic evidence.

GeneDx
Classification: Uncertain significance. Last evaluated: 2017-01-05. Review status: criteria provided, single submitter. Criteria: GeneDx Variant Classification (06012015). Collection method: clinical testing. Allele origin: germline. Affected: yes.
Comment: The I94T variant in the SPRED1 gene has not been reported previously as a pathogenic variant, nor as a benign variant, to our knowledge. The I94T variant was not observed in approximately 6500 individuals of European and African American ancestry in the NHLBI Exome Sequencing Project, indicating it is not a common benign variant in these populations. The I94T variant is a non-conservative amino acid substitution, which is likely to impact secondary protein structure as these residues differ in polarity, charge, size and/or other properties. This substitution occurs at a position where amino acids with similar properties to Isoleucine are tolerated across species. In silico analysis is inconsistent in its predictions as to whether or not the variant is damaging to the protein structure/function. We interpret I94T as a variant of uncertain significance